The following is an entry in ClinVar:

NM_000179.3(MSH6):c.3295A>C (p.Ile1099Leu)

Gene: MSH6 (mutS homolog 6; plus strand). Cytogenetic location: 2p16.3.
Variant type: single nucleotide variant.
Coding change: c.3295A>C on transcript NM_000179.3 (MANE Select); coding-DNA position 3295, A replaced by C.
Protein change: p.Ile1099Leu; replaces isoleucine 1099 with leucine.
Molecular consequence: missense variant.
Genome position (GRCh38, 1-based): chr2:47,803,542, A>C. VCF-style: chr2-47803542-A-C. GRCh37 (hg19) VCF-style: chr2-48030681-A-C.
Other names: c.2905A>C, p.Ile969Leu (NM_001281492.2); c.2389A>C, p.Ile797Leu (NM_001281493.2, NM_001281494.2); short protein forms I1099L, I797L, I969L.
Identifiers: ClinVar variation 823479 (VCV000823479.4), dbSNP rs1064795895, ClinGen allele CA346758468.

ClinVar aggregate classification (germline): Uncertain significance (1 of 4 stars; one submission).

Conditions:
Hereditary cancer-predisposing syndrome. Also called: Tumor predisposition; Hereditary Cancer Syndrome; Neoplastic Syndromes, Hereditary; Hereditary neoplastic syndrome. Identifiers: Orphanet 140162, MedGen C0027672, MeSH D009386, MONDO:0015356.

Submission:

Ambry Genetics
Classification: Uncertain significance for Hereditary cancer-predisposing syndrome. Last evaluated: 2018-12-14. Review status: criteria provided, single submitter. Criteria: Ambry Variant Classification Scheme 2023. Collection method: clinical testing. Allele origin: germline.
Comment: The p.I1099L variant (also known as c.3295A>C), located in coding exon 5 of the MSH6 gene, results from an A to C substitution at nucleotide position 3295. The isoleucine at codon 1099 is replaced by leucine, an amino acid with highly similar properties. This amino acid position is not well conserved in available vertebrate species. In addition, the in silico prediction for this alteration is inconclusive. In addition, the CoDP in silico tool predicts this alteration to have a minor impact on molecular function, with a score of 0.002 (Terui H et al. J. Biomed. Sci. 2013 Apr;20:25). Since supporting evidence is limited at this time, the clinical significance of this alteration remains unclear.